The following is an entry in ClinVar:

ClinVar aggregate classification (germline): Uncertain significance (1 of 4 stars; one submission).

Conditions:
Inborn genetic diseases. Identifiers: MedGen C0950123, MeSH D030342.

Submission:

Ambry Genetics
Classification: Uncertain significance for Inborn genetic diseases. Last evaluated: 2025-06-28. Review status: criteria provided, single submitter. Criteria: Ambry Variant Classification Scheme 2023. Collection method: clinical testing. Allele origin: germline.
Comment: The p.L1037V variant (also known as c.3109C>G), located in coding exon 18 of the RECQL4 gene, results from a C to G substitution at nucleotide position 3109. The leucine at codon 1037 is replaced by valine, an amino acid with highly similar properties. This amino acid position is conserved. In addition, this alteration is predicted to be tolerated by in silico analysis. Based on the available evidence, the clinical significance of this variant remains unclear.

NM_004260.4(RECQL4):c.3109C>G (p.Leu1037Val)

Gene: RECQL4 (RecQ like helicase 4; minus strand). Cytogenetic location: 8q24.3.
Variant type: single nucleotide variant.
Coding change: c.3109C>G on transcript NM_004260.4 (MANE Select); coding-DNA position 3109, C replaced by G.
Protein change: p.Leu1037Val; replaces leucine 1037 with valine.
Molecular consequence: missense variant. On other transcripts: non-coding transcript variant (2).
Genome position (GRCh38, 1-based): chr8:144,512,271, G>C on the plus strand (C>G on the coding strand, the complement: RECQL4 is on the minus strand). VCF-style: chr8-144512271-G-C. GRCh37 (hg19) VCF-style: chr8-145737654-G-C.
Other names: c.2038C>G, p.Leu680Val (NM_001413035.1, NM_001413040.1, NM_001413021.1 and 4 more transcripts); c.3109C>G, p.Leu1037Val (NM_001413036.1); c.1906C>G, p.Leu636Val (NM_001413037.1); c.1840C>G, p.Leu614Val (NM_001413038.1, NM_001413031.1); c.3079C>G, p.Leu1027Val (NM_001413039.1); c.2047C>G, p.Leu683Val (NM_001413041.1); c.2008C>G, p.Leu670Val (NM_001413042.1); c.1642C>G, p.Leu548Val (NM_001413043.1); and 9 more; short protein forms L1062V, L658V, L670V, L705V, L971V, L993V, L994V, L1005V.
Identifiers: ClinVar variation 4152352 (VCV004152352.1).